The following is an entry in ClinVar:

ClinVar aggregate classification (germline): Pathogenic (1 of 4 stars; one submission).

Conditions:
Hereditary cancer-predisposing syndrome. Also called: Neoplastic Syndromes, Hereditary; Tumor predisposition; Hereditary Cancer Syndrome; Hereditary neoplastic syndrome. Identifiers: Orphanet 140162, MedGen C0027672, MeSH D009386, MONDO:0015356.

Submission:

Ambry Genetics
Classification: Pathogenic for Hereditary cancer-predisposing syndrome. Last evaluated: 2026-05-14. Review status: criteria provided, single submitter. Criteria: Ambry Variant Classification Scheme 2023. Collection method: clinical testing. Allele origin: germline.
Comment: The c.431_432delTT pathogenic mutation, located in coding exon 1 of the AXIN2 gene, results from a deletion of two nucleotides at nucleotide positions 431 to 432, causing a translational frameshift with a predicted alternate stop codon (p.I144Sfs*23). This variant is considered to be rare based on population cohorts in the Genome Aggregation Database (gnomAD). This alteration is expected to result in loss of function by premature protein truncation or nonsense-mediated mRNA decay. As such, this alteration is interpreted as a disease-causing mutation.

NM_004655.4(AXIN2):c.431_432del (p.Ile144fs)

Gene: AXIN2 (axin 2; minus strand). Cytogenetic location: 17q24.1.
Variant type: Deletion.
Coding change: c.431_432del on transcript NM_004655.4 (MANE Select); coding-DNA positions 431 to 432, 2 bases deleted (TT; older notation c.431_432delTT).
Protein change: p.Ile144fs; shifts the reading frame from isoleucine 144.
Molecular consequence: frameshift variant.
Genome position (GRCh38, 1-based): chr17:65,558,189-65,558,190, AA deleted on the plus strand (TT on the coding strand, the reverse complement: AXIN2 is on the minus strand). VCF-style (leftmost placement, unchanged base first): chr17-65558188-CAA-C. GRCh37 (hg19) VCF-style: chr17-63554306-CAA-C.
Other names: c.431_432del, p.Ile144fs (NM_001363813.1); short protein forms I144fs.
Identifiers: ClinVar variation 4867312 (VCV004867312.1).
Genomic context (GRCh38, chr17:65,558,188, plus strand): 5'-GCTGCTTCTTGATGCCATCTCTTATGTAGGTCTTGGTGGCAGGCTTCAGCTGCTTGGAGA[CAA>C]TGCTGTTGTTCTCAATGTACCTTTTGTAGATCGCTTTGGCTACTCGTAAAGTTTTGGTAT-3'